The following is an entry in ClinVar:

NM_000274.4(OAT):c.426del (p.Val143fs)

Gene: OAT (ornithine aminotransferase; minus strand). Cytogenetic location: 10q26.13.
Variant type: Deletion.
Coding change: c.426del on transcript NM_000274.4 (MANE Select); coding-DNA position 426, one base deleted (A; older notation c.426delA).
Protein change: p.Val143fs; shifts the reading frame from valine 143.
Molecular consequence: frameshift variant. On other transcripts: 5 prime UTR variant (1), intron variant (1).
Genome position (GRCh38, 1-based): chr10:124,408,636, T deleted on the plus strand (A on the coding strand, the reverse complement: OAT is on the minus strand). VCF-style (leftmost placement, unchanged base first): chr10-124408635-CT-C. GRCh37 (hg19) VCF-style: chr10-126097204-CT-C.
Other names: c.12del, p.Val5fs (NM_001171814.2); c.426del, p.Val143fs (NM_001322965.2, NM_001322966.2, NM_001322967.2 and 3 more transcripts); c.-289del (NM_001322974.2); c.200-3073del (NM_001322971.2); short protein forms V5fs, V143fs.
Identifiers: ClinVar variation 2125383 (VCV002125383.4), dbSNP rs2494501124, ClinGen allele CA2580082439.

ClinVar aggregate classification (germline): Pathogenic (1 of 4 stars; one submission).

Conditions:
Ornithine aminotransferase deficiency (GACR). Also called: Ornithine ketoacid aminotransferase deficiency; Gyrate atrophy; Gyrate atrophy of choroid and retina; Girate atrophy of the retina; OKT DEFICIENCY; HYPERORNITHINEMIA WITH GYRATE ATROPHY OF CHOROID AND RETINA. Identifiers: Orphanet 414, MedGen C0018425, MONDO:0009796, OMIM 258870.

Submission:

Labcorp Genetics (formerly Invitae), Labcorp
Classification: Pathogenic for Ornithine aminotransferase deficiency. Last evaluated: 2022-04-12. Review status: criteria provided, single submitter. Criteria: Invitae Variant Classification Sherloc (09022015). Collection method: clinical testing. Allele origin: germline.
Comment: For these reasons, this variant has been classified as Pathogenic. This variant has not been reported in the literature in individuals affected with OAT-related conditions. This variant is not present in population databases (gnomAD no frequency). This sequence change creates a premature translational stop signal (p.Val143Trpfs*10) in the OAT gene. It is expected to result in an absent or disrupted protein product. Loss-of-function variants in OAT are known to be pathogenic (PMID: 1737786, 23076989).

Literature cited by the submitters: PubMed 1737786; PubMed 23076989.